The following is an entry in ClinVar:

NM_004364.5(CEBPA):c.715C>G (p.Pro239Ala)

Gene: CEBPA (CCAAT enhancer binding protein alpha; minus strand). Cytogenetic location: 19q13.11.
Variant type: single nucleotide variant.
Coding change: c.715C>G on transcript NM_004364.5 (MANE Select); coding-DNA position 715, C replaced by G.
Protein change: p.Pro239Ala; replaces proline 239 with alanine.
Molecular consequence: missense variant.
Genome position (GRCh38, 1-based): chr19:33,301,700, G>C on the plus strand (C>G on the coding strand, the complement: CEBPA is on the minus strand). VCF-style: chr19-33301700-G-C. GRCh37 (hg19) VCF-style: chr19-33792606-G-C.
Other names: c.358C>G, p.Pro120Ala (NM_001285829.2); c.820C>G, p.Pro274Ala (NM_001287424.2); c.673C>G, p.Pro225Ala (NM_001287435.2); c.715C>G (NM_004364.3); short protein forms P239A, P120A, P225A, P274A.
Identifiers: ClinVar variation 526802 (VCV000526802.20), dbSNP rs1162371435, ClinGen allele CA405274359.

ClinVar aggregate classification (germline): Conflicting classifications of pathogenicity. Review status: criteria provided, conflicting classifications (1 of 4 stars). 8 submissions from 8 submitters: Uncertain significance (7); Likely benign (1). Last evaluated 2025-09-02.

Conditions:
Inborn genetic diseases. Identifiers: MedGen C0950123, MeSH D030342.
Acute myeloid leukemia (AML). Also called: Leukemia, acute myeloid, somatic; Leukemia, acute myelogenous, somatic; Acute myeloid leukemia, adult; AML adult; Acute non-lymphocytic leukemia; Acute granulocytic leukemia. Identifiers: Orphanet 519, MedGen C0023467, MeSH D015470, MONDO:0018874, OMIM 601626, HP:0004808. Disease mechanism: Constitutively activated FLT3.

Allele frequency attached by ClinVar (database versions not stated): TOPMed 0.00001; gnomAD 0.00002; gnomAD exomes 0.00007.

Submissions (8):

Labcorp Genetics (formerly Invitae), Labcorp
Classification: Uncertain significance for Acute myeloid leukemia. Last evaluated: 2025-09-02. Review status: criteria provided, single submitter. Criteria: Invitae Variant Classification Sherloc (09022015). Collection method: clinical testing. Allele origin: germline.
Comment: This sequence change replaces proline, which is neutral and non-polar, with alanine, which is neutral and non-polar, at codon 239 of the CEBPA protein (p.Pro239Ala). This variant is present in population databases (no rsID available, gnomAD 0.01%). This variant has not been reported in the literature in individuals affected with CEBPA-related conditions. ClinVar contains an entry for this variant (Variation ID: 526802). Invitae Evidence Modeling of protein sequence and biophysical properties (such as structural, functional, and spatial information, amino acid conservation, physicochemical variation, residue mobility, and thermodynamic stability) indicates that this missense variant is not expected to disrupt CEBPA protein function with a negative predictive value of 80%. In summary, the available evidence is currently insufficient to determine the role of this variant in disease. Therefore, it has been classified as a Variant of Uncertain Significance.

Ambry Genetics
Classification: Likely benign for Inborn genetic diseases. Last evaluated: 2024-12-13. Review status: criteria provided, single submitter. Criteria: Ambry Variant Classification Scheme 2023. Collection method: clinical testing. Allele origin: germline.

Baylor Genetics
Classification: Uncertain significance for Acute myeloid leukemia. Last evaluated: 2024-03-05. Review status: criteria provided, single submitter. Criteria: ACMG Guidelines, 2015. Collection method: clinical testing. Allele origin: unknown.

GeneDx
Classification: Uncertain significance. Last evaluated: 2023-12-12. Review status: criteria provided, single submitter. Criteria: GeneDx Variant Classification Process June 2021. Collection method: clinical testing. Allele origin: germline. Affected: yes.
Comment: In silico analysis supports that this missense variant does not alter protein structure/function; Has not been previously published as pathogenic or benign to our knowledge

Blueprint Genetics
Classification: Uncertain significance. Last evaluated: 2022-08-11. Review status: criteria provided, single submitter. Criteria: ACMG Guidelines, 2015. Collection method: clinical testing. Allele origin: germline.

Fulgent Genetics
Classification: Uncertain significance for Acute myeloid leukemia. Last evaluated: 2021-07-25. Review status: criteria provided, single submitter. Criteria: ACMG Guidelines, 2015. Collection method: clinical testing. Allele origin: unknown.

Department of Pathology and Laboratory Medicine, Sinai Health System
Classification: Uncertain significance for Acute myeloid leukemia. Last evaluated: 2021-05-17. Review status: criteria provided, single submitter. Criteria: ACMG Guidelines, 2015. Collection method: research. Allele origin: germline.

Genetic Services Laboratory, University of Chicago
Classification: Uncertain significance. Last evaluated: 2021-01-08. Review status: criteria provided, single submitter. Criteria: ACMG Guidelines, 2015. Collection method: clinical testing. Allele origin: germline. Affected: no.
Comment: DNA sequence analysis of the CEBPA gene demonstrated a sequence change, c.715C>G, in exon 1 that results in an amino acid change, p.Pro239Ala. This sequence change does not appear to have been previously described in individuals with CEBPA-related disorders and has been described in the gnomAD database in two individuals with an overall population frequency of 0.0075% (dbSNP rs1162371435). The p.Pro239Ala change affects a moderately conserved amino acid residue located in a domain of the CEBPA protein that is known to be functional. The p.Pro239Ala substitution appears to be benign using several in-silico pathogenicity prediction tools (SIFT, PolyPhen2, Align GVGD, REVEL). Due to these contrasting evidences and the lack of functional studies, the clinical significance of the p.Pro239Ala change remains unknown at this time.